The following is an entry in ClinVar:

NM_001035.3(RYR2):c.6452A>T (p.Asn2151Ile)

Gene: RYR2 (ryanodine receptor 2; plus strand). Cytogenetic location: 1q43.
Variant type: single nucleotide variant.
Coding change: c.6452A>T on transcript NM_001035.3 (MANE Select); coding-DNA position 6452, A replaced by T.
Protein change: p.Asn2151Ile; replaces asparagine 2151 with isoleucine.
Molecular consequence: missense variant.
Genome position (GRCh38, 1-based): chr1:237,631,438, A>T. VCF-style: chr1-237631438-A-T. GRCh37 (hg19) VCF-style: chr1-237794738-A-T.
Other names: short protein forms N2151I.
Identifiers: ClinVar variation 2989085 (VCV002989085.3), dbSNP rs2546906506, ClinGen allele CA345412179.

ClinVar aggregate classification (germline): Uncertain significance (1 of 4 stars; one submission).

Conditions:
Catecholaminergic polymorphic ventricular tachycardia 1. Also called: RYR2-Related Catecholaminergic Polymorphic Ventricular Tachycardia; VENTRICULAR TACHYCARDIA, STRESS-INDUCED POLYMORPHIC 1; VENTRICULAR TACHYCARDIA, CATECHOLAMINERGIC POLYMORPHIC, 1, WITH OR WITHOUT ATRIAL DYSFUNCTION AND/OR DILATED CARDIOMYOPATHY. Identifiers: Orphanet 3286, MedGen C1631597, MONDO:0011484, OMIM 604772.

Submission:

Labcorp Genetics (formerly Invitae), Labcorp
Classification: Uncertain significance for Catecholaminergic polymorphic ventricular tachycardia 1. Last evaluated: 2022-11-17. Review status: criteria provided, single submitter. Criteria: Invitae Variant Classification Sherloc (09022015). Collection method: clinical testing. Allele origin: germline.
Comment: In summary, the available evidence is currently insufficient to determine the role of this variant in disease. Therefore, it has been classified as a Variant of Uncertain Significance. Advanced modeling of protein sequence and biophysical properties (such as structural, functional, and spatial information, amino acid conservation, physicochemical variation, residue mobility, and thermodynamic stability) performed at Invitae indicates that this missense variant is expected to disrupt RYR2 protein function. This variant has not been reported in the literature in individuals affected with RYR2-related conditions. This variant is not present in population databases (gnomAD no frequency). This sequence change replaces asparagine, which is neutral and polar, with isoleucine, which is neutral and non-polar, at codon 2151 of the RYR2 protein (p.Asn2151Ile).